The following is an entry in ClinVar:

NM_005529.7(HSPG2):c.6682G>C (p.Glu2228Gln)

Genes: HSPG2 (heparan sulfate proteoglycan 2; minus strand), LOC126805655 (CDK7 strongly-dependent group 2 enhancer GRCh37_chr1:22178409-22179608; plus strand). Cytogenetic location: 1p36.12.
Variant type: single nucleotide variant.
Coding change: c.6682G>C on transcript NM_005529.7 (MANE Select); coding-DNA position 6682, G replaced by C.
Protein change: p.Glu2228Gln; replaces glutamic acid 2228 with glutamine.
Molecular consequence: missense variant.
Genome position (GRCh38, 1-based): chr1:21,852,742, C>G on the plus strand (G>C on the coding strand, the complement: HSPG2 is on the minus strand). VCF-style: chr1-21852742-C-G. GRCh37 (hg19) VCF-style: chr1-22179235-C-G.
Other names: c.6685G>C, p.Glu2229Gln (NM_001291860.2); short protein forms E2228Q, E2229Q.
Identifiers: ClinVar variation 811129 (VCV000811129.8), dbSNP rs1572229579, ClinGen allele CA338929068.

ClinVar aggregate classification (germline): Uncertain significance (1 of 4 stars; one submission).

Submission:

ARUP Laboratories, Molecular Genetics and Genomics, ARUP Laboratories
Classification: Uncertain significance. Last evaluated: 2018-09-21. Review status: criteria provided, single submitter. Criteria: ARUP Molecular Germline Variant Investigation Process. Collection method: clinical testing. Allele origin: germline.
Comment: The HSPG2 c.6682G>C; p.Glu2228Gln variant, to our knowledge, is not reported in the medical literature or gene specific databases. This variant is also absent from general population databases (1000 Genomes Project, Exome Variant Server, and Genome Aggregation Database), indicating it is not a common polymorphism. The glutamic acid at codon 2228 is weakly conserved, but computational analyses (SIFT: tolerated, PolyPhen-2: possibly damaging) predict conflicting effects of this variant on protein structure/function. Due to limited information, the clinical significance of the p.Glu2228Gln variant is uncertain at this time.